The following is an entry in ClinVar:

NM_001244008.2(KIF1A):c.4190C>T (p.Ala1397Val)

Gene: KIF1A (kinesin family member 1A; minus strand). Cytogenetic location: 2q37.3.
Variant type: single nucleotide variant.
Coding change: c.4190C>T on transcript NM_001244008.2 (MANE Select); coding-DNA position 4190, C replaced by T.
Protein change: p.Ala1397Val; replaces alanine 1397 with valine.
Molecular consequence: missense variant.
Genome position (GRCh38, 1-based): chr2:240,725,337, G>A on the plus strand (C>T on the coding strand, the complement: KIF1A is on the minus strand). VCF-style: chr2-240725337-G-A. GRCh37 (hg19) VCF-style: chr2-241664754-G-A.
Other names: c.3914C>T, p.Ala1305Val (NM_001320705.2, NM_001379649.1); c.3941C>T, p.Ala1314Val (NM_001330289.2); c.3989C>T, p.Ala1330Val (NM_001330290.2, NM_001379648.1); c.4265C>T, p.Ala1422Val (NM_001379631.1); c.4166C>T, p.Ala1389Val (NM_001379632.1); c.4163C>T, p.Ala1388Val (NM_001379633.1, NM_001379645.1); c.4016C>T, p.Ala1339Val (NM_001379634.1); c.4013C>T, p.Ala1338Val (NM_001379635.1, NM_001379646.1); and 7 more; short protein forms A1295V, A1313V, A1422V, A1296V, A1304V, A1305V, A1314V, A1339V.
Identifiers: ClinVar variation 2952851 (VCV002952851.3), dbSNP rs2536775669, ClinGen allele CA351307276.

ClinVar aggregate classification (germline): Uncertain significance (1 of 4 stars; one submission).

Conditions:
Neuropathy, hereditary sensory, type 2C. Also called: KIF1A-Related HSAN2 (HSAN2C); Hereditary sensory and autonomic neuropathy type IIC. Identifiers: Orphanet 970, MedGen C3280168, MONDO:0013634, OMIM 614213.
Hereditary spastic paraplegia 30. Identifiers: Orphanet 101010, MedGen C5235139, MONDO:0012476.
Intellectual disability, autosomal dominant 9 (NESCAVS). Also called: NESCAV SYNDROME; KIF1A-Related Neurodevelopmental Disorder. Identifiers: Orphanet 662367, MedGen C5393830, MONDO:0013656, OMIM 614255.

Submission:

Labcorp Genetics (formerly Invitae), Labcorp
Classification: Uncertain significance for Hereditary spastic paraplegia 30; Neuropathy, hereditary sensory, type 2C; Intellectual disability, autosomal dominant 9. Last evaluated: 2023-10-14. Review status: criteria provided, single submitter. Criteria: Invitae Variant Classification Sherloc (09022015). Collection method: clinical testing. Allele origin: germline.
Comment: This sequence change replaces alanine, which is neutral and non-polar, with valine, which is neutral and non-polar, at codon 1296 of the KIF1A protein (p.Ala1296Val). This variant is not present in population databases (gnomAD no frequency). This variant has not been reported in the literature in individuals affected with KIF1A-related conditions. Advanced modeling of protein sequence and biophysical properties (such as structural, functional, and spatial information, amino acid conservation, physicochemical variation, residue mobility, and thermodynamic stability) performed at Invitae indicates that this missense variant is not expected to disrupt KIF1A protein function. In summary, the available evidence is currently insufficient to determine the role of this variant in disease. Therefore, it has been classified as a Variant of Uncertain Significance.